The following is an entry in ClinVar:

NM_032806.6(POMGNT2):c.263A>G (p.Asn88Ser)

Gene: POMGNT2 (protein O-linked mannose N-acetylglucosaminyltransferase 2 (beta 1,4-); minus strand). Cytogenetic location: 3p22.1.
Variant type: single nucleotide variant.
Coding change: c.263A>G on transcript NM_032806.6 (MANE Select); coding-DNA position 263, A replaced by G.
Protein change: p.Asn88Ser; replaces asparagine 88 with serine.
Molecular consequence: missense variant.
Genome position (GRCh38, 1-based): chr3:43,081,169, T>C on the plus strand (A>G on the coding strand, the complement: POMGNT2 is on the minus strand). VCF-style: chr3-43081169-T-C. GRCh37 (hg19) VCF-style: chr3-43122661-T-C.
Other names: short protein forms N88S.
Identifiers: ClinVar variation 2049692 (VCV002049692.3), dbSNP rs767152632, ClinGen allele CA2340116.

ClinVar aggregate classification (germline): Uncertain significance (1 of 4 stars; one submission).

Conditions:
Muscular dystrophy-dystroglycanopathy (congenital with brain and eye anomalies), type a, 8 (MDDGA8). Also called: WALKER-WARBURG SYNDROME OR MUSCLE-EYE-BRAIN DISEASE, GTDC2-RELATED. Identifiers: Orphanet 899, MedGen C3553813, MONDO:0013904, OMIM 614830.

Allele frequency attached by ClinVar (database versions not stated): gnomAD 0.00001; gnomAD exomes 0.00001; ExAC 0.00002.

Submission:

Labcorp Genetics (formerly Invitae), Labcorp
Classification: Uncertain significance for Muscular dystrophy-dystroglycanopathy (congenital with brain and eye anomalies), type a, 8. Last evaluated: 2024-12-16. Review status: criteria provided, single submitter. Criteria: Invitae Variant Classification Sherloc (09022015). Collection method: clinical testing. Allele origin: germline.
Comment: This sequence change replaces asparagine, which is neutral and polar, with serine, which is neutral and polar, at codon 88 of the POMGNT2 protein (p.Asn88Ser). This variant is present in population databases (rs767152632, gnomAD 0.006%). This variant has not been reported in the literature in individuals affected with POMGNT2-related conditions. ClinVar contains an entry for this variant (Variation ID: 2049692). Invitae Evidence Modeling of protein sequence and biophysical properties (such as structural, functional, and spatial information, amino acid conservation, physicochemical variation, residue mobility, and thermodynamic stability) indicates that this missense variant is not expected to disrupt POMGNT2 protein function with a negative predictive value of 80%. In summary, the available evidence is currently insufficient to determine the role of this variant in disease. Therefore, it has been classified as a Variant of Uncertain Significance.